The following is an entry in ClinVar:

ClinVar aggregate classification (germline): Uncertain significance (1 of 4 stars; one submission).

Submission:

GeneDx
Classification: Uncertain significance. Last evaluated: 2024-06-03. Review status: criteria provided, single submitter. Criteria: GeneDx Variant Classification Process June 2021. Collection method: clinical testing. Allele origin: germline. Affected: yes.
Comment: Not observed at significant frequency in large population cohorts (gnomAD); In silico analysis supports a deleterious effect on splicing; Has not been previously published as pathogenic or benign to our knowledge

NM_000501.4(ELN):c.1719T>A (p.Val573=)

Genes: ELN (elastin; plus strand), ELN-AS1 (ELN antisense RNA 1; minus strand). Cytogenetic location: 7q11.23.
Variant type: single nucleotide variant.
Coding change: c.1719T>A on transcript NM_000501.4 (MANE Select); coding-DNA position 1719, T replaced by A.
Protein change: p.Val573=; no amino-acid change (valine 573 retained).
Molecular consequence: synonymous variant.
Genome position (GRCh38, 1-based): chr7:74,060,473, T>A. VCF-style: chr7-74060473-T-A. GRCh37 (hg19) VCF-style: chr7-73474803-T-A.
Other names: c.1632T>A, p.Val544= (NM_001081752.3); c.1677T>A, p.Val559= (NM_001081753.3); c.1734T>A, p.Val578= (NM_001081754.3); c.1662T>A, p.Val554= (NM_001081755.3); c.1719T>A, p.Val573= (NM_001278912.2); c.1476T>A, p.Val492= (NM_001278913.2); c.1647T>A, p.Val549= (NM_001278914.2); c.1737T>A, p.Val579= (NM_001278915.2); and 4 more.
Identifiers: ClinVar variation 3384375 (VCV003384375.1).